The following is an entry in ClinVar:

ClinVar aggregate classification (germline): Uncertain significance (1 of 4 stars; one submission).

Conditions:
Inborn genetic diseases. Identifiers: MedGen C0950123, MeSH D030342.

Submission:

Ambry Genetics
Classification: Uncertain significance for Inborn genetic diseases. Last evaluated: 2026-05-21. Review status: criteria provided, single submitter. Criteria: Ambry Variant Classification Scheme 2023. Collection method: clinical testing. Allele origin: germline.
Comment: The p.W328* variant (also known as p.Trp333Ter), located in coding exon 5 of the WT1 gene, results from a G to A substitution at nucleotide position 984. This changes the amino acid from a tryptophan to a stop codon within coding exon 5. This region of the gene is excluded from other biologically relevant transcripts. Functional studies suggest this variant is associated with increased WT1 exon 5 skipping in a WT1 exon 5 minigene splicing assay; however, additional evidence is needed to confirm this finding (Tubeuf H et al. Hum Mutat, 2020 Oct;41:1811-1829). Based on the available evidence, the clinical significance of this variant remains unclear.

Literature cited by the submitters: PubMed 32741062.

NM_024426.6(WT1):c.999G>A (p.Trp333Ter)

Gene: WT1 (WT1 transcription factor; minus strand). Cytogenetic location: 11p13.
Variant type: single nucleotide variant.
Coding change: c.999G>A on transcript NM_024426.6 (MANE Select); coding-DNA position 999, G replaced by A.
Protein change: p.Trp333Ter; replaces tryptophan 333 with a stop codon.
Molecular consequence: nonsense. On other transcripts: non-coding transcript variant (1), intron variant (8).
Genome position (GRCh38, 1-based): chr11:32,416,507, C>T on the plus strand (G>A on the coding strand, the complement: WT1 is on the minus strand). VCF-style: chr11-32416507-C-T. GRCh37 (hg19) VCF-style: chr11-32438053-C-T.
Other names: c.348G>A, p.Trp116Ter (NM_001198551.2); c.999G>A, p.Trp333Ter (NM_001407044.1, NM_001407046.1, NM_024424.5); c.876G>A, p.Trp292Ter (NM_001407047.1); c.237G>A, p.Trp79Ter (NM_001407051.1); c.780G>A, p.Trp260Ter (NM_001429031.1, NM_001429032.1); c.842+1070G>A (NM_001407050.1); c.965+1070G>A (NM_001407048.1, NM_001407049.1, NM_000378.6 and 1 more transcripts); c.746+1070G>A (NM_001429034.1, NM_001429033.1); and 1 more; short protein forms W116*, W260*, W292*, W328*, W333*, W79*.
Identifiers: ClinVar variation 4866813 (VCV004866813.1).